The following is an entry in ClinVar:

ClinVar aggregate classification (germline): Uncertain significance (1 of 4 stars; one submission).

Conditions:
Adams-Oliver syndrome 4 (AOS4). Identifiers: Orphanet 974, MedGen C3809092, MONDO:0014124, OMIM 615297.

Allele frequency attached by ClinVar (database versions not stated): ExAC 0.00002; ESP Exome Variant Server 0.00008.
gnomAD v4.1: 21 of 1,611,794 alleles (0.0013%); highest among the groups gnomAD compares: Non-Finnish European, 0.0017%; no homozygotes.

Submission:

Labcorp Genetics (formerly Invitae), Labcorp
Classification: Uncertain significance for Adams-Oliver syndrome 4. Last evaluated: 2022-08-10. Review status: criteria provided, single submitter. Criteria: Invitae Variant Classification Sherloc (09022015). Collection method: clinical testing. Allele origin: germline.
Comment: In summary, the available evidence is currently insufficient to determine the role of this variant in disease. Therefore, it has been classified as a Variant of Uncertain Significance. This sequence change replaces proline, which is neutral and non-polar, with alanine, which is neutral and non-polar, at codon 68 of the EOGT protein (p.Pro68Ala). This variant is present in population databases (rs146952006, gnomAD 0.003%). This variant has not been reported in the literature in individuals affected with EOGT-related conditions. Algorithms developed to predict the effect of missense changes on protein structure and function are either unavailable or do not agree on the potential impact of this missense change (SIFT: "Tolerated"; PolyPhen-2: "Probably Damaging"; Align-GVGD: "Class C0").

NM_001278689.2(EOGT):c.202C>G (p.Pro68Ala)

Gene: EOGT (EGF domain specific O-linked N-acetylglucosamine transferase; minus strand). Cytogenetic location: 3p14.1.
Variant type: single nucleotide variant.
Coding change: c.202C>G on transcript NM_001278689.2 (MANE Select); coding-DNA position 202, C replaced by G.
Protein change: p.Pro68Ala; replaces proline 68 with alanine.
Molecular consequence: missense variant. On other transcripts: non-coding transcript variant (1).
Genome position (GRCh38, 1-based): chr3:69,009,645, G>C on the plus strand (C>G on the coding strand, the complement: EOGT is on the minus strand). VCF-style: chr3-69009645-G-C. GRCh37 (hg19) VCF-style: chr3-69058796-G-C.
Other names: c.202C>G, p.Pro68Ala (NM_173654.3); short protein forms P68A.
Identifiers: ClinVar variation 2171565 (VCV002171565.4), dbSNP rs146952006, ClinGen allele CA2487028.